The following is an entry in ClinVar:

NM_000419.5(ITGA2B):c.454G>A (p.Glu152Lys)

Gene: ITGA2B (integrin subunit alpha 2b; minus strand). Cytogenetic location: 17q21.31.
Variant type: single nucleotide variant.
Coding change: c.454G>A on transcript NM_000419.5 (MANE Select); coding-DNA position 454, G replaced by A.
Protein change: p.Glu152Lys; replaces glutamic acid 152 with lysine.
Molecular consequence: missense variant.
Genome position (GRCh38, 1-based): chr17:44,385,671, C>T on the plus strand (G>A on the coding strand, the complement: ITGA2B is on the minus strand). VCF-style: chr17-44385671-C-T. GRCh37 (hg19) VCF-style: chr17-42463039-C-T.
Other names: short protein forms E152K.
Identifiers: ClinVar variation 2813425 (VCV002813425.3), dbSNP rs2510084904, ClinGen allele CA399805950.

ClinVar aggregate classification (germline): Uncertain significance (1 of 4 stars; one submission).

Conditions:
Glanzmann thrombasthenia. Also called: BLEEDING DISORDER, PLATELET-TYPE, 2; THROMBASTHENIA OF GLANZMANN AND NAEGELI; Thrombasthenia; PLATELET GLYCOPROTEIN IIb-IIIa DEFICIENCY; Glanzmann's thrombasthenia. Identifiers: Orphanet 849, MedGen C0040015, MONDO:0100326.

Allele frequency attached by ClinVar (database versions not stated): gnomAD exomes below 0.00001.
gnomAD v4.1: 3 of 1,613,778 alleles (0.00019%); highest among the groups gnomAD compares: African/African-American, 0.0013%; no homozygotes.

Submission:

Labcorp Genetics (formerly Invitae), Labcorp
Classification: Uncertain significance for Glanzmann thrombasthenia. Last evaluated: 2023-11-03. Review status: criteria provided, single submitter. Criteria: Invitae Variant Classification Sherloc (09022015). Collection method: clinical testing. Allele origin: germline.
Comment: This sequence change replaces glutamic acid, which is acidic and polar, with lysine, which is basic and polar, at codon 152 of the ITGA2B protein (p.Glu152Lys). This variant is not present in population databases (gnomAD no frequency). This variant has not been reported in the literature in individuals affected with ITGA2B-related conditions. An algorithm developed to predict the effect of missense changes on protein structure and function (PolyPhen-2) suggests that this variant is likely to be disruptive. In summary, the available evidence is currently insufficient to determine the role of this variant in disease. Therefore, it has been classified as a Variant of Uncertain Significance.